The following is an entry in ClinVar:

NM_014413.4(EIF2AK1):c.50GGGCTG[3] (p.Ala20_Val21insGlyAla)

Genes: EIF2AK1 (eukaryotic translation initiation factor 2 alpha kinase 1; minus strand), LOC129997920 (ATAC-STARR-seq lymphoblastoid silent region 17933; plus strand). Cytogenetic location: 7p22.1.
Variant type: Microsatellite.
Coding change: c.50GGGCTG[3] on transcript NM_014413.4 (MANE Select); three copies in a row of the 6-base unit GGGCTG starting at c.50; the reference has two copies in a row; one copy, 6 bases duplicated.
Protein change: p.Ala20_Val21insGlyAla.
Genome position (GRCh38, 1-based): chr7:6,059,023-6,059,028, CAGCCC duplicated on the plus strand (GGGCTG on the coding strand, the reverse complement: EIF2AK1 is on the minus strand); duplicating any 6 consecutive bases within chr7:6,059,023-6,059,035 gives the same sequence; the position shown is the placement nearest the transcript's 3' end. VCF-style (leftmost placement, unchanged base first): chr7-6059022-A-ACAGCCC. GRCh37 (hg19) VCF-style: chr7-6098653-A-ACAGCCC.
Other names: c.50GGGCTG[3], p.Ala20_Val21insGlyAla (NM_001134335.2).
Identifiers: ClinVar variation 3701549 (VCV003701549.2).

ClinVar aggregate classification (germline): Uncertain significance (1 of 4 stars; one submission).

Submission:

Labcorp Genetics (formerly Invitae), Labcorp
Classification: Uncertain significance. Last evaluated: 2024-10-03. Review status: criteria provided, single submitter. Criteria: Invitae Variant Classification Sherloc (09022015). Collection method: clinical testing. Allele origin: germline.
Comment: This variant, c.56_61dup, results in the insertion of 2 amino acid(s) of the EIF2AK1 protein (p.Gly19_Ala20dup), but otherwise preserves the integrity of the reading frame. This variant is present in population databases (no rsID available, gnomAD 0.005%). This variant has not been reported in the literature in individuals affected with EIF2AK1-related conditions. In summary, the available evidence is currently insufficient to determine the role of this variant in disease. Therefore, it has been classified as a Variant of Uncertain Significance.